The following is an entry in ClinVar:

NM_000202.8(IDS):c.1634T>C (p.Phe545Ser)

Gene: IDS (iduronate 2-sulfatase; minus strand). Cytogenetic location: Xq28.
Variant type: single nucleotide variant.
Coding change: c.1634T>C on transcript NM_000202.8 (MANE Select); coding-DNA position 1634, T replaced by C.
Protein change: p.Phe545Ser; replaces phenylalanine 545 with serine.
Molecular consequence: missense variant.
Genome position (GRCh38, 1-based): chrX:149,482,765, A>G on the plus strand (T>C on the coding strand, the complement: IDS is on the minus strand). VCF-style: chrX-149482765-A-G. GRCh37 (hg19) VCF-style: chrX-148564296-A-G.
Other names: p.Phe545Ser; c.1364T>C, p.Phe455Ser (NM_001166550.4); short protein forms F455S, F545S.
Identifiers: ClinVar variation 3380755 (VCV003380755.1).

ClinVar aggregate classification (germline): Uncertain significance (1 of 4 stars; one submission).

Submission:

Mayo Clinic Laboratories, Mayo Clinic
Classification: Uncertain significance. Last evaluated: 2024-08-05. Review status: criteria provided, single submitter. Criteria: ACMG Guidelines, 2015. Collection method: clinical testing. Allele origin: germline. Observed: 1 variant allele.
Comment: BP4, PM2